The following is an entry in ClinVar:

ClinVar aggregate classification (germline): Uncertain significance. Review status: criteria provided, multiple submitters, no conflicts (2 of 4 stars). 2 submissions from 2 submitters: Uncertain significance (2). Last evaluated 2023-07-01.

Conditions:
Hereditary cancer-predisposing syndrome. Also called: Hereditary Cancer Syndrome; Hereditary neoplastic syndrome; Neoplastic Syndromes, Hereditary; Tumor predisposition. Identifiers: Orphanet 140162, MedGen C0027672, MeSH D009386, MONDO:0015356.

Submissions (2):

Ambry Genetics
Classification: Uncertain significance for Hereditary cancer-predisposing syndrome. Last evaluated: 2023-07-01. Review status: criteria provided, single submitter. Criteria: Ambry Variant Classification Scheme 2023. Collection method: clinical testing. Allele origin: germline.
Comment: The p.N2120S variant (also known as c.6359A>G), located in coding exon 46 of the POLE gene, results from an A to G substitution at nucleotide position 6359. The asparagine at codon 2120 is replaced by serine, an amino acid with highly similar properties. This amino acid position is conserved. In addition, this alteration is predicted to be tolerated by in silico analysis. Since supporting evidence is limited at this time, the clinical significance of this alteration remains unclear.

Labcorp Genetics (formerly Invitae), Labcorp
Classification: Uncertain significance. Last evaluated: 2023-06-17. Review status: criteria provided, single submitter. Criteria: Invitae Variant Classification Sherloc (09022015). Collection method: clinical testing. Allele origin: germline.
Comment: In summary, the available evidence is currently insufficient to determine the role of this variant in disease. Therefore, it has been classified as a Variant of Uncertain Significance. Advanced modeling of protein sequence and biophysical properties (such as structural, functional, and spatial information, amino acid conservation, physicochemical variation, residue mobility, and thermodynamic stability) performed at Invitae indicates that this missense variant is not expected to disrupt POLE protein function. ClinVar contains an entry for this variant (Variation ID: 1447124). This variant has not been reported in the literature in individuals affected with POLE-related conditions. This variant is not present in population databases (gnomAD no frequency). This sequence change replaces asparagine, which is neutral and polar, with serine, which is neutral and polar, at codon 2120 of the POLE protein (p.Asn2120Ser).

NM_006231.4(POLE):c.6359A>G (p.Asn2120Ser)

Gene: POLE (DNA polymerase epsilon, catalytic subunit; minus strand). Cytogenetic location: 12q24.33.
Variant type: single nucleotide variant.
Coding change: c.6359A>G on transcript NM_006231.4 (MANE Select); coding-DNA position 6359, A replaced by G.
Protein change: p.Asn2120Ser; replaces asparagine 2120 with serine.
Molecular consequence: missense variant.
Genome position (GRCh38, 1-based): chr12:132,626,289, T>C on the plus strand (A>G on the coding strand, the complement: POLE is on the minus strand). VCF-style: chr12-132626289-T-C. GRCh37 (hg19) VCF-style: chr12-133202875-T-C.
Other names: c.6359A>G (NM_006231.2); short protein forms N2120S.
Identifiers: ClinVar variation 1447124 (VCV001447124.7), dbSNP rs2138432321, ClinGen allele CA387367830.
Genomic context (GRCh38, chr12:132,626,289, plus strand): 5'-TCGGAGAACTCGCCGACATCCACCAGGCGAAGCAGGTCTCGGTTCAGCTTATTCACCTGG[T>C]TTGTGATGTTGGTGTCCAGGGACAGCACCTGCAGAGACCACAGCCCACATCGGGAAGGAG-3'
Protein context (NP_006222.2, residues 2110-2130): KVLSLDTNIT[Asn2120Ser]QVNKLNRDLL